The following is an entry in ClinVar:

ClinVar aggregate classification (germline): Uncertain significance (1 of 4 stars; one submission).

Submission:

GeneDx
Classification: Uncertain significance. Last evaluated: 2025-04-21. Review status: criteria provided, single submitter. Criteria: GeneDx Variant Classification Process June 2021. Collection method: clinical testing. Allele origin: germline. Affected: yes.
Comment: Not observed at significant frequency in large population cohorts (gnomAD); In silico analysis indicates that this missense variant does not alter protein structure/function; Has not been previously published as pathogenic or benign to our knowledge

NM_000883.4(IMPDH1):c.415G>T (p.Ala139Ser)

Gene: IMPDH1 (inosine monophosphate dehydrogenase 1; minus strand). Cytogenetic location: 7q32.1.
Variant type: single nucleotide variant.
Coding change: c.415G>T on transcript NM_000883.4 (MANE Select); coding-DNA position 415, G replaced by T.
Protein change: p.Ala139Ser; replaces alanine 139 with serine.
Molecular consequence: missense variant.
Genome position (GRCh38, 1-based): chr7:128,401,104, C>A on the plus strand (G>T on the coding strand, the complement: IMPDH1 is on the minus strand). VCF-style: chr7-128401104-C-A. GRCh37 (hg19) VCF-style: chr7-128041158-C-A.
Other names: c.385G>T, p.Ala129Ser (NM_001102605.2); c.160G>T, p.Ala54Ser (NM_001142573.2, NM_001142574.2, NM_001142575.2); c.316G>T, p.Ala106Ser (NM_001142576.2); c.208G>T, p.Ala70Ser (NM_001304521.2); c.307G>T, p.Ala103Ser (NM_183243.3); short protein forms A103S, A106S, A129S, A139S, A54S, A70S.
Identifiers: ClinVar variation 4527205 (VCV004527205.1).